The following is an entry in ClinVar:

NM_206933.4(USH2A):c.12066+1G>A

Gene: USH2A (usherin; minus strand). Cytogenetic location: 1q41.
Variant type: single nucleotide variant.
Coding change: c.12066+1G>A on transcript NM_206933.4 (MANE Select); the canonical splice donor site of the intron after coding-DNA position 12066, G replaced by A.
Molecular consequence: splice donor variant.
Genome position (GRCh38, 1-based): chr1:215,728,029, C>T on the plus strand (G>A on the coding strand, the complement: USH2A is on the minus strand). VCF-style: chr1-215728029-C-T. GRCh37 (hg19) VCF-style: chr1-215901371-C-T.
Identifiers: ClinVar variation 1514929 (VCV001514929.8), dbSNP rs2102713275, ClinGen allele CA344826695.

ClinVar aggregate classification (germline): Likely pathogenic (1 of 4 stars; one submission).

Submission:

Labcorp Genetics (formerly Invitae), Labcorp
Classification: Likely pathogenic. Last evaluated: 2021-01-18. Review status: criteria provided, single submitter. Criteria: Invitae Variant Classification Sherloc (09022015). Collection method: clinical testing. Allele origin: germline.
Comment: Algorithms developed to predict the effect of sequence changes on RNA splicing suggest that this variant may disrupt the consensus splice site, but this prediction has not been confirmed by published transcriptional studies. In summary, the currently available evidence indicates that the variant is pathogenic, but additional data are needed to prove that conclusively. Therefore, this variant has been classified as Likely Pathogenic. This variant has not been reported in the literature in individuals with USH2A-related conditions. This variant is not present in population databases (ExAC no frequency). This sequence change affects a donor splice site in intron 61 of the USH2A gene. It is expected to disrupt RNA splicing. Variants that disrupt the donor or acceptor splice site typically lead to a loss of protein function (PMID: 16199547), and loss-of-function variants in USH2A are known to be pathogenic (PMID: 10729113, 10909849, 20507924, 25649381).

Literature cited by the submitters: PubMed 16199547; PubMed 10729113; PubMed 10909849; PubMed 20507924; PubMed 25649381.